The following is an entry in ClinVar:

ClinVar aggregate classification (germline): Benign (1 of 4 stars; one submission).

Conditions:
Familial adenomatous polyposis 1 (FAP1). Also called: FAMILIAL ADENOMATOUS POLYPOSIS 1, ATTENUATED; POLYPOSIS, ADENOMATOUS INTESTINAL. Identifiers: MedGen C2713442, MONDO:0021056, OMIM 175100. Disease mechanism: loss of function.

Submission:

Myriad Genetics, Inc.
Classification: Benign for Familial adenomatous polyposis 1. Last evaluated: 2024-04-05. Review status: criteria provided, single submitter. Criteria: Myriad Autosomal Dominant, Autosomal Recessive and X-Linked Classification Criteria (2023). Collection method: clinical testing. Allele origin: unknown.
Comment: This variant is considered benign. This variant is a silent/synonymous amino acid change and it is not expected to impact splicing.

NM_000038.6(APC):c.6702A>C (p.Pro2234=)

Gene: APC (APC regulator of Wnt signaling pathway; plus strand). Cytogenetic location: 5q22.2.
Variant type: single nucleotide variant.
Coding change: c.6702A>C on transcript NM_000038.6 (MANE Select); coding-DNA position 6702, A replaced by C.
Protein change: p.Pro2234=; no amino-acid change (proline 2234 retained).
Molecular consequence: synonymous variant. On other transcripts: non-coding transcript variant (2).
Genome position (GRCh38, 1-based): chr5:112,842,296, A>C. VCF-style: chr5-112842296-A-C. GRCh37 (hg19) VCF-style: chr5-112177993-A-C.
Other names: c.6618A>C, p.Pro2206= (NM_001354899.2); c.6579A>C, p.Pro2193= (NM_001354900.2); c.6525A>C, p.Pro2175= (NM_001354901.2, NM_001407453.1); c.6429A>C, p.Pro2143= (NM_001354902.2); c.6324A>C, p.Pro2108= (NM_001354904.2); c.6222A>C, p.Pro2074= (NM_001354905.2); c.6399A>C, p.Pro2133= (NM_001354903.2, NM_001407458.1, NM_001407459.1 and 1 more transcripts); c.6756A>C, p.Pro2252= (NM_001407447.1, NM_001354896.2, NM_001407448.1 and 1 more transcripts); and 11 more.
Identifiers: ClinVar variation 3254470 (VCV003254470.1), dbSNP rs1580673747.